The following is an entry in ClinVar:

ClinVar aggregate classification (germline): Benign (1 of 4 stars; one submission).

Conditions:
Leigh syndrome (NULS). Also called: Leigh's necrotizing encephalopathy; Leigh's disease; Leigh Syndrome (mtDNA deletion); Leigh Disease; Subacute necrotizing encephalopathy; Necrotizing encephalopathy infantile subacute of Leigh. Identifiers: Orphanet 506, MedGen C2931891, MONDO:0009723, OMIM 256000.

Submission:

Wong Mito Lab, Molecular and Human Genetics, Baylor College of Medicine
Classification: Benign for Leigh syndrome. Last evaluated: 2019-10-17. Review status: criteria provided, single submitter. Criteria: Modified ACMG Guidelines (Unpublished). Collection method: clinical testing. Allele origin: germline.
Comment: The NC_012920.1:m.8567T>C (YP_003024031.1:p.Ile14Thr) variant in MTATP6 gene (also (YP_003024030.1:p.Ser68Pro) variant in MTATP8 gene) is interpretated to be a Benign variant based on the modified ACMG guidelines (unpublished). This variant meets the following evidence codes: BS1, BS2

NC_012920.1(MT-ATP8):m.8567T>C

Genes: MT-ATP8 (mitochondrially encoded ATP synthase 8; plus strand), MT-ATP6 (mitochondrially encoded ATP synthase 6; plus strand).
Variant type: single nucleotide variant.
Genome position: chrM-8567-T-C.
Identifiers: ClinVar variation 692905 (VCV000692905.1), dbSNP rs1603221586, ClinGen allele CA414796731.